The following is an entry in ClinVar:

NM_014795.4(ZEB2):c.1091C>T (p.Ser364Leu)

Gene: ZEB2 (zinc finger E-box binding homeobox 2; minus strand). Cytogenetic location: 2q22.3.
Variant type: single nucleotide variant.
Coding change: c.1091C>T on transcript NM_014795.4 (MANE Select); coding-DNA position 1091, C replaced by T.
Protein change: p.Ser364Leu; replaces serine 364 with leucine.
Molecular consequence: missense variant.
Genome position (GRCh38, 1-based): chr2:144,400,096, G>A on the plus strand (C>T on the coding strand, the complement: ZEB2 is on the minus strand). VCF-style: chr2-144400096-G-A. GRCh37 (hg19) VCF-style: chr2-145157663-G-A.
Other names: c.1019C>T, p.Ser340Leu (NM_001171653.2); short protein forms S340L, S364L.
Identifiers: ClinVar variation 945233 (VCV000945233.9), dbSNP rs1703290565, ClinGen allele CA348712653.

ClinVar aggregate classification (germline): Uncertain significance (1 of 4 stars; one submission).

Conditions:
Mowat-Wilson syndrome (MOWS). Also called: Classic Mowat-Wilson Syndrome. Identifiers: Orphanet 2152, MedGen C1856113, MONDO:0009341, OMIM 235730.

Allele frequency attached by ClinVar (database versions not stated): gnomAD exomes below 0.00001; gnomAD 0.00001; TOPMed 0.00001.
gnomAD v4.1: 2 of 1,613,822 alleles (0.00012%); highest among the groups gnomAD compares: African/African-American, 0.0013%; no homozygotes.

Submission:

Labcorp Genetics (formerly Invitae), Labcorp
Classification: Uncertain significance for Mowat-Wilson syndrome. Last evaluated: 2024-07-29. Review status: criteria provided, single submitter. Criteria: Invitae Variant Classification Sherloc (09022015). Collection method: clinical testing. Allele origin: germline.
Comment: This sequence change replaces serine, which is neutral and polar, with leucine, which is neutral and non-polar, at codon 364 of the ZEB2 protein (p.Ser364Leu). This variant is not present in population databases (gnomAD no frequency). This variant has not been reported in the literature in individuals affected with ZEB2-related conditions. ClinVar contains an entry for this variant (Variation ID: 945233). Advanced modeling performed at Invitae incorporating data from internal and/or published experimental studies (Invitae) indicates that this missense variant is not expected to disrupt ZEB2 function with a negative predictive value of 95%. In summary, the available evidence is currently insufficient to determine the role of this variant in disease. Therefore, it has been classified as a Variant of Uncertain Significance.